The following is an entry in ClinVar:

ClinVar aggregate classification (germline): Uncertain significance (1 of 4 stars; one submission).

gnomAD v4.1: 1 of 1,614,008 alleles (0.000062%); highest among the groups gnomAD compares: Non-Finnish European, 0.000085%; no homozygotes.

Submission:

GeneDx
Classification: Uncertain significance. Last evaluated: 2024-11-06. Review status: criteria provided, single submitter. Criteria: GeneDx Variant Classification Process June 2021. Collection method: clinical testing. Allele origin: germline. Affected: yes.
Comment: Not observed at significant frequency in large population cohorts (gnomAD); In silico analysis indicates that this missense variant does not alter protein structure/function; Has not been previously published as pathogenic or benign to our knowledge

NM_024757.5(EHMT1):c.1687A>G (p.Met563Val)

Gene: EHMT1 (euchromatic histone lysine methyltransferase 1; plus strand). Cytogenetic location: 9q34.3.
Variant type: single nucleotide variant.
Coding change: c.1687A>G on transcript NM_024757.5 (MANE Select); coding-DNA position 1687, A replaced by G.
Protein change: p.Met563Val; replaces methionine 563 with valine.
Molecular consequence: missense variant.
Genome position (GRCh38, 1-based): chr9:137,775,148, A>G. VCF-style: chr9-137775148-A-G. GRCh37 (hg19) VCF-style: chr9-140669600-A-G.
Other names: c.1687A>G, p.Met563Val (NM_001145527.2); c.1594A>G, p.Met532Val (NM_001354259.2); c.1666A>G, p.Met556Val (NM_001354263.2); short protein forms M532V, M556V, M563V.
Identifiers: ClinVar variation 3899070 (VCV003899070.1).